The following is an entry in ClinVar:

NM_012079.6(DGAT1):c.937G>A (p.Asp313Asn)

Gene: DGAT1 (diacylglycerol O-acyltransferase 1; minus strand). Cytogenetic location: 8q24.3.
Variant type: single nucleotide variant.
Coding change: c.937G>A on transcript NM_012079.6 (MANE Select); coding-DNA position 937, G replaced by A.
Protein change: p.Asp313Asn; replaces aspartic acid 313 with asparagine.
Molecular consequence: missense variant.
Genome position (GRCh38, 1-based): chr8:144,317,588, C>T on the plus strand (G>A on the coding strand, the complement: DGAT1 is on the minus strand). VCF-style: chr8-144317588-C-T. GRCh37 (hg19) VCF-style: chr8-145541251-C-T.
Other names: short protein forms D313N.
Identifiers: ClinVar variation 1939827 (VCV001939827.2), dbSNP rs782751829, ClinGen allele CA372609588.

ClinVar aggregate classification (germline): Uncertain significance (1 of 4 stars; one submission).

Submission:

Labcorp Genetics (formerly Invitae), Labcorp
Classification: Uncertain significance. Last evaluated: 2022-02-12. Review status: criteria provided, single submitter. Criteria: Invitae Variant Classification Sherloc (09022015). Collection method: clinical testing. Allele origin: germline.
Comment: This sequence change replaces aspartic acid, which is acidic and polar, with asparagine, which is neutral and polar, at codon 313 of the DGAT1 protein (p.Asp313Asn). This variant is not present in population databases (gnomAD no frequency). This variant has not been reported in the literature in individuals affected with DGAT1-related conditions. Algorithms developed to predict the effect of missense changes on protein structure and function (SIFT, PolyPhen-2, Align-GVGD) all suggest that this variant is likely to be tolerated. In summary, the available evidence is currently insufficient to determine the role of this variant in disease. Therefore, it has been classified as a Variant of Uncertain Significance.